The following is an entry in ClinVar:

ClinVar aggregate classification (germline): Benign/Likely benign. Review status: criteria provided, multiple submitters, no conflicts (2 of 4 stars). 6 submissions from 6 submitters: Benign (2); Likely benign (4). Last evaluated 2025-09-01.

Conditions:
ACTB-related disorder. Also called: ACTB-related condition; ACTB-related disorders.
Baraitser-Winter syndrome 1 (BRWS1). Also called: BARAITSER-WINTER SYNDROME 1, ATYPICAL; PACHYGYRIA, MENTAL RETARDATION, EPILEPSY, AND CHARACTERISTIC FACIES; MENTAL RETARDATION WITH EPILEPSY AND CHARACTERISTIC FACIES; Cerebrofrontofacial syndrome. Identifiers: Orphanet 2649, Orphanet 2995, MedGen C1855722, MONDO:0009470, OMIM 243310.

Allele frequency attached by ClinVar (database versions not stated): gnomAD 0.00001 and 0.00002; gnomAD exomes 0.00002 and 0.00007; TOPMed 0.00003; ExAC 0.00006; 1000 Genomes Project 30x 0.00016; 1000 Genomes Project 0.00020.

Submissions (6):

CeGaT Center for Human Genetics Tuebingen
Classification: Likely benign. Last evaluated: 2025-09-01. Review status: criteria provided, single submitter. Criteria: CeGaT Center For Human Genetics Tuebingen Variant Classification Criteria Version 2. Collection method: clinical testing. Allele origin: germline. Affected: yes. Observed: 1 variant allele.
Comment: ACTB: BP4, BP7

Labcorp Genetics (formerly Invitae), Labcorp
Classification: Benign for Baraitser-Winter syndrome 1. Last evaluated: 2025-08-13. Review status: criteria provided, single submitter. Criteria: Invitae Variant Classification Sherloc (09022015). Collection method: clinical testing. Allele origin: germline.

Mayo Clinic Laboratories, Mayo Clinic
Classification: Likely benign. Last evaluated: 2025-03-20. Review status: criteria provided, single submitter. Criteria: ACMG Guidelines, 2015. Collection method: clinical testing. Allele origin: germline. Observed: 1 variant allele.
Comment: BP4, BP7

PreventionGenetics, part of Exact Sciences
Classification: Likely benign for ACTB-related condition. Last evaluated: 2024-10-26. Review status: criteria provided, single submitter. Criteria: ACMG Guidelines, 2015. Collection method: clinical testing. Allele origin: germline.
Comment: This variant is classified as likely benign based on ACMG/AMP sequence variant interpretation guidelines (Richards et al. 2015 PMID: 25741868, with internal and published modifications).

Blueprint Genetics
Classification: Likely benign. Last evaluated: 2023-11-21. Review status: criteria provided, single submitter. Criteria: ACMG Guidelines, 2015. Collection method: clinical testing. Allele origin: germline.

GeneDx
Classification: Benign. Last evaluated: 2021-04-18. Review status: criteria provided, single submitter. Criteria: GeneDx Variant Classification Process June 2021. Collection method: clinical testing. Allele origin: germline. Affected: yes.

NM_001101.5(ACTB):c.702C>T (p.Ser234=)

Gene: ACTB (actin beta; minus strand). Cytogenetic location: 7p22.1.
Variant type: single nucleotide variant.
Coding change: c.702C>T on transcript NM_001101.5 (MANE Select); coding-DNA position 702, C replaced by T.
Protein change: p.Ser234=; no amino-acid change (serine 234 retained).
Molecular consequence: synonymous variant.
Genome position (GRCh38, 1-based): chr7:5,528,381, G>A on the plus strand (C>T on the coding strand, the complement: ACTB is on the minus strand). VCF-style: chr7-5528381-G-A. GRCh37 (hg19) VCF-style: chr7-5568012-G-A.
Other names: p.Ser234=.
Identifiers: ClinVar variation 1274877 (VCV001274877.15), dbSNP rs570862769, ClinGen allele CA4146968.